The following is an entry in ClinVar:

ClinVar aggregate classification (germline): Conflicting classifications of pathogenicity. Review status: criteria provided, conflicting classifications (1 of 4 stars). 4 submissions from 4 submitters: Uncertain significance (1); Likely benign (2). 1 of the submissions does not count toward it. Last evaluated 2025-11-02.

Conditions:
LRIT3-related disorder. Also called: LRIT3-related condition.
Congenital stationary night blindness 1F. Also called: Night blindness, congenital stationary (complete), 1F, autosomal recessive. Identifiers: Orphanet 215, MedGen C3554399, MONDO:0014026, OMIM 615058.

Allele frequency attached by ClinVar (database versions not stated): gnomAD 0.00006 and 0.00007; TOPMed 0.00006; gnomAD exomes 0.00010.

Submissions (4):

Labcorp Genetics (formerly Invitae), Labcorp
Classification: Likely benign. Last evaluated: 2025-11-02. Review status: criteria provided, single submitter. Criteria: Invitae Variant Classification Sherloc (09022015). Collection method: clinical testing. Allele origin: germline.

Blueprint Genetics
Classification: Likely benign. Last evaluated: 2024-07-18. Review status: criteria provided, single submitter. Criteria: ACMG Guidelines, 2015. Collection method: clinical testing. Allele origin: germline.

Illumina Laboratory Services, Illumina
Classification: Uncertain significance for Congenital stationary night blindness 1F. Last evaluated: 2018-01-15. Review status: criteria provided, single submitter. Criteria: ICSL Variant Classification Criteria 13 December 2019. Collection method: clinical testing. Allele origin: germline.

PreventionGenetics, part of Exact Sciences
Classification: Likely benign for LRIT3-related condition. Last evaluated: 2019-08-01. Review status: no assertion criteria provided. Collection method: clinical testing. Allele origin: germline. Not counted in ClinVar's aggregate classification.
Comment: This variant is classified as likely benign based on ACMG/AMP sequence variant interpretation guidelines (Richards et al. 2015 PMID: 25741868, with internal and published modifications).

NM_198506.5(LRIT3):c.327G>A (p.Glu109=)

Gene: LRIT3 (leucine rich repeat, Ig-like and transmembrane domains 3; plus strand). Cytogenetic location: 4q25.
Variant type: single nucleotide variant.
Coding change: c.327G>A on transcript NM_198506.5 (MANE Select); coding-DNA position 327, G replaced by A.
Protein change: p.Glu109=; no amino-acid change (glutamic acid 109 retained).
Molecular consequence: synonymous variant.
Genome position (GRCh38, 1-based): chr4:109,851,714, G>A. VCF-style: chr4-109851714-G-A. GRCh37 (hg19) VCF-style: chr4-110772870-G-A.
Identifiers: ClinVar variation 902556 (VCV000902556.16), dbSNP rs992042707, ClinGen allele CA103732026.